The following is an entry in ClinVar:

NM_001365536.1(SCN9A):c.1456A>C (p.Lys486Gln)

Genes: SCN1A-AS1 (SCN1A and SCN9A antisense RNA 1; plus strand), SCN9A (sodium voltage-gated channel alpha subunit 9; minus strand). Cytogenetic location: 2q24.3.
Variant type: single nucleotide variant.
Coding change: c.1456A>C on transcript NM_001365536.1 (MANE Select); coding-DNA position 1456, A replaced by C.
Protein change: p.Lys486Gln; replaces lysine 486 with glutamine.
Molecular consequence: missense variant.
Genome position (GRCh38, 1-based): chr2:166,286,482, T>G on the plus strand (A>C on the coding strand, the complement: SCN9A is on the minus strand). VCF-style: chr2-166286482-T-G. GRCh37 (hg19) VCF-style: chr2-167142992-T-G.
Other names: c.1456A>C, p.Lys486Gln (NM_002977.4); short protein forms K486Q.
Identifiers: ClinVar variation 2185498 (VCV002185498.4), dbSNP rs562227075, ClinGen allele CA1944504.

ClinVar aggregate classification (germline): Uncertain significance (1 of 4 stars; one submission).

Conditions:
Generalized epilepsy with febrile seizures plus, type 7 (GEFSP7). Also called: GEFS+, TYPE 7. Identifiers: Orphanet 36387, MedGen C2751778, MONDO:0013470, OMIM 613863.
Neuropathy, hereditary sensory and autonomic, type 2A (HSAN2A). Also called: WNK1-Related HSAN2 (HSAN2A); MORVAN DISEASE; HSAN IIA; ACROOSTEOLYSIS, GIACCAI TYPE; ACROOSTEOLYSIS, NEUROGENIC; NEUROPATHY, CONGENITAL SENSORY. Identifiers: Orphanet 970, MedGen C2752089, MONDO:0024309, OMIM 201300.

Allele frequency attached by ClinVar (database versions not stated): TOPMed below 0.00001; ExAC 0.00001; gnomAD 0.00001; gnomAD exomes 0.00001; 1000 Genomes Project 0.00020; 1000 Genomes Project 30x 0.00031.
gnomAD v4.1: 4 of 1,613,794 alleles (0.00025%); highest among the groups gnomAD compares: South Asian, 0.0044%; no homozygotes.

Submission:

Labcorp Genetics (formerly Invitae), Labcorp
Classification: Uncertain significance for Neuropathy, hereditary sensory and autonomic, type 2A; Generalized epilepsy with febrile seizures plus, type 7. Last evaluated: 2022-06-14. Review status: criteria provided, single submitter. Criteria: Invitae Variant Classification Sherloc (09022015). Collection method: clinical testing. Allele origin: germline.
Comment: In summary, the available evidence is currently insufficient to determine the role of this variant in disease. Therefore, it has been classified as a Variant of Uncertain Significance. Algorithms developed to predict the effect of missense changes on protein structure and function are either unavailable or do not agree on the potential impact of this missense change (SIFT: "Tolerated"; PolyPhen-2: "Possibly Damaging"; Align-GVGD: "Class C0"). This variant has not been reported in the literature in individuals affected with SCN9A-related conditions. This variant is present in population databases (rs562227075, gnomAD 0.01%). This sequence change replaces lysine, which is basic and polar, with glutamine, which is neutral and polar, at codon 486 of the SCN9A protein (p.Lys486Gln).